The following is an entry in ClinVar:

ClinVar aggregate classification (germline): Uncertain significance (1 of 4 stars; one submission).

Conditions:
Early-onset Lafora body disease. Also called: Epilepsy, progressive myoclonic, 10. Identifiers: Orphanet 324290, MedGen C4225258, MONDO:0014717, OMIM 616640.

Allele frequency attached by ClinVar (database versions not stated): gnomAD 0.00001.
gnomAD v4.1: 4 of 1,297,832 alleles (0.00031%); highest among the groups gnomAD compares: Admixed American, 0.0042%; no homozygotes.

Submission:

Labcorp Genetics (formerly Invitae), Labcorp
Classification: Uncertain significance for Early-onset Lafora body disease. Last evaluated: 2022-07-23. Review status: criteria provided, single submitter. Criteria: Invitae Variant Classification Sherloc (09022015). Collection method: clinical testing. Allele origin: germline.
Comment: In summary, the available evidence is currently insufficient to determine the role of this variant in disease. Therefore, it has been classified as a Variant of Uncertain Significance. Algorithms developed to predict the effect of missense changes on protein structure and function (SIFT, PolyPhen-2, Align-GVGD) all suggest that this variant is likely to be tolerated. This variant has not been reported in the literature in individuals affected with PRDM8-related conditions. This variant is not present in population databases (gnomAD no frequency). This sequence change replaces threonine, which is neutral and polar, with proline, which is neutral and non-polar, at codon 424 of the PRDM8 protein (p.Thr424Pro).

NM_001099403.2(PRDM8):c.1270A>C (p.Thr424Pro)

Gene: PRDM8 (PR/SET domain 8; plus strand). Cytogenetic location: 4q21.21.
Variant type: single nucleotide variant.
Coding change: c.1270A>C on transcript NM_001099403.2 (MANE Select); coding-DNA position 1270, A replaced by C.
Protein change: p.Thr424Pro; replaces threonine 424 with proline.
Molecular consequence: missense variant.
Genome position (GRCh38, 1-based): chr4:80,202,732, A>C. VCF-style: chr4-80202732-A-C. GRCh37 (hg19) VCF-style: chr4-81123886-A-C.
Other names: c.1270A>C, p.Thr424Pro (NM_020226.4); short protein forms T424P.
Identifiers: ClinVar variation 2072331 (VCV002072331.4), dbSNP rs1738617952, ClinGen allele CA357399786.
Genomic context (GRCh38, chr4:80,202,732, plus strand): 5'-GCCGACGGCGCGGGAGTCGCCTCCGAGGACCAGGACGCTGGCGGCGGCGGCGGCTCCTCC[A>C]CGCCCGCGGCCGCGTCACCGGTGGGCGCCGAGAAGCTGCTGGCCCCGCGGCCTGGGGGCC-3'
Protein context (NP_001092873.1, residues 414-434): QDAGGGGGSS[Thr424Pro]PAAASPVGAE